The following is an entry in ClinVar:

ClinVar aggregate classification (germline): Uncertain significance (1 of 4 stars; one submission).

Conditions:
Alpha thalassemia-X-linked intellectual disability syndrome (ATRX). Also called: ALPHA-THALASSEMIA/MENTAL RETARDATION SYNDROME, X-LINKED; ATR, NONDELETION TYPE; ATR-X syndrome; Alpha thalassemia mental retardation syndrome, nondeletion type, X-linked; XLMR hypotonic face syndrome; X-linked alpha-thalassemia-mental retardation syndrome. Identifiers: Orphanet 847, MedGen C1845055, MONDO:0010519, OMIM 301040.

Submission:

Labcorp Genetics (formerly Invitae), Labcorp
Classification: Uncertain significance for Alpha thalassemia-X-linked intellectual disability syndrome. Last evaluated: 2024-01-10. Review status: criteria provided, single submitter. Criteria: Invitae Variant Classification Sherloc (09022015). Collection method: clinical testing. Allele origin: germline.
Comment: This sequence change replaces alanine, which is neutral and non-polar, with glycine, which is neutral and non-polar, at codon 2129 of the ATRX protein (p.Ala2129Gly). This variant is not present in population databases (gnomAD no frequency). This variant has not been reported in the literature in individuals affected with ATRX-related conditions. Advanced modeling of protein sequence and biophysical properties (such as structural, functional, and spatial information, amino acid conservation, physicochemical variation, residue mobility, and thermodynamic stability) performed at Invitae indicates that this missense variant is expected to disrupt ATRX protein function with a positive predictive value of 95%. In summary, the available evidence is currently insufficient to determine the role of this variant in disease. Therefore, it has been classified as a Variant of Uncertain Significance.

NM_000489.6(ATRX):c.6386C>G (p.Ala2129Gly)

Gene: ATRX (ATRX chromatin remodeler; minus strand). Cytogenetic location: Xq21.1.
Variant type: single nucleotide variant.
Coding change: c.6386C>G on transcript NM_000489.6 (MANE Select); coding-DNA position 6386, C replaced by G.
Protein change: p.Ala2129Gly; replaces alanine 2129 with glycine.
Molecular consequence: missense variant.
Genome position (GRCh38, 1-based): chrX:77,558,787, G>C on the plus strand (C>G on the coding strand, the complement: ATRX is on the minus strand). VCF-style: chrX-77558787-G-C. GRCh37 (hg19) VCF-style: chrX-76814258-G-C.
Other names: c.6272C>G, p.Ala2091Gly (NM_138270.5); short protein forms A2091G, A2129G.
Identifiers: ClinVar variation 2819784 (VCV002819784.3), dbSNP rs2147949308, ClinGen allele CA413699255.